The following is an entry in ClinVar:

NM_000268.4(NF2):c.1001T>C (p.Met334Thr)

Gene: NF2 (NF2, moesin-ezrin-radixin like (MERLIN) tumor suppressor; plus strand). Cytogenetic location: 22q12.2.
Variant type: single nucleotide variant.
Coding change: c.1001T>C on transcript NM_000268.4 (MANE Select); coding-DNA position 1001, T replaced by C.
Protein change: p.Met334Thr; replaces methionine 334 with threonine.
Molecular consequence: missense variant. On other transcripts: intron variant (1).
Genome position (GRCh38, 1-based): chr22:29,671,827, T>C. VCF-style: chr22-29671827-T-C. GRCh37 (hg19) VCF-style: chr22-30067816-T-C.
Other names: c.1001T>C, p.Met334Thr (NM_001407066.1, NM_016418.5, NM_181825.3 and 2 more transcripts); c.770T>C, p.Met257Thr (NM_001407067.1); c.875T>C, p.Met292Thr (NM_181828.3, NM_001407055.1); c.878T>C, p.Met293Thr (NM_181829.3, NM_001407054.1, NM_001407058.1); c.752T>C, p.Met251Thr (NM_181830.3, NM_181831.3, NM_001407063.1 and 1 more transcripts); c.448-22925T>C (NM_181833.3); c.887T>C, p.Met296Thr (NM_001407053.1, NM_001407056.1); c.866T>C, p.Met289Thr (NM_001407057.1, NM_001407059.1); and 2 more; short protein forms M248T, M334T, M257T, M156T, M251T, M289T, M296T, M292T.
Identifiers: ClinVar variation 4764692 (VCV004764692.1).

ClinVar aggregate classification (germline): Uncertain significance (1 of 4 stars; one submission).

Conditions:
Neurofibromatosis, type 2 (SWNV). Also called: BILATERAL ACOUSTIC NEUROFIBROMATOSIS; NF2-Related Schwannomatosis; SCHWANNOMATOSIS, VESTIBULAR. Identifiers: Orphanet 637, MedGen C0027832, MONDO:0007039, OMIM 101000. Disease mechanism: loss of function.

Submission:

Labcorp Genetics (formerly Invitae), Labcorp
Classification: Uncertain significance for Neurofibromatosis, type 2. Last evaluated: 2025-08-09. Review status: criteria provided, single submitter. Criteria: Invitae Variant Classification Sherloc (09022015). Collection method: clinical testing. Allele origin: germline.
Comment: This sequence change replaces methionine, which is neutral and non-polar, with threonine, which is neutral and polar, at codon 334 of the NF2 protein (p.Met334Thr). This variant is not present in population databases (gnomAD no frequency). This variant has not been reported in the literature in individuals affected with NF2-related conditions. An algorithm developed to predict the effect of missense changes on protein structure and function (PolyPhen-2) suggests that this variant is likely to be tolerated. In summary, the available evidence is currently insufficient to determine the role of this variant in disease. Therefore, it has been classified as a Variant of Uncertain Significance.